The following is an entry in ClinVar:

NM_001355436.2(SPTB):c.2237del (p.Phe746fs)

Gene: SPTB (spectrin beta, erythrocytic; minus strand). Cytogenetic location: 14q23.3.
Variant type: Deletion.
Coding change: c.2237del on transcript NM_001355436.2 (MANE Select); coding-DNA position 2237, one base deleted (T; older notation c.2237delT).
Protein change: p.Phe746fs; shifts the reading frame from phenylalanine 746.
Molecular consequence: frameshift variant.
Genome position (GRCh38, 1-based): chr14:64,793,426, A deleted on the plus strand (T on the coding strand, the reverse complement: SPTB is on the minus strand); the first of 5 consecutive A bases (chr14:64,793,426-64,793,430); deleting any one gives the same sequence. VCF-style (leftmost placement, unchanged base first): chr14-64793425-GA-G. GRCh37 (hg19) VCF-style: chr14-65260143-GA-G.
Other names: c.2237del, p.Phe746fs (NM_001024858.4, NM_001355437.2); short protein forms F746fs.
Identifiers: ClinVar variation 2683473 (VCV002683473.1), dbSNP rs2503159452, ClinGen allele CA2625270129.
Genomic context (GRCh38, chr14:64,793,425, plus strand): 5'-GAGCAGCCGGTGGGCGTCTTGCAGCCAAGCCTTCAGGTCATCCGCATCGCCCTGGAACTG[GA>G]AAAAGTTCTCAGCATCCTGGAGGTTCTTCTTGCAGAAGGCAGCCAGGTCCTTCAGCTGGT-3'

ClinVar aggregate classification (germline): Likely pathogenic (1 of 4 stars; one submission).

Submission:

Mayo Clinic Laboratories, Mayo Clinic
Classification: Likely pathogenic. Last evaluated: 2022-11-18. Review status: criteria provided, single submitter. Criteria: ACMG Guidelines, 2015. Collection method: clinical testing. Allele origin: germline. Observed: 364 variant alleles.
Comment: PM2, PVS1